The following is an entry in ClinVar:

ClinVar aggregate classification (germline): Uncertain significance. Review status: criteria provided, multiple submitters, no conflicts (2 of 4 stars). 2 submissions from 2 submitters: Uncertain significance (2). Last evaluated 2024-02-21.

Conditions:
Inborn genetic diseases. Identifiers: MedGen C0950123, MeSH D030342.

Allele frequency attached by ClinVar (database versions not stated): ExAC 0.00003; gnomAD 0.00005.
gnomAD v4.1: 76 of 1,612,916 alleles (0.0047%); highest among the groups gnomAD compares: Non-Finnish European, 0.006%; no homozygotes.

Submissions (2):

Ambry Genetics
Classification: Uncertain significance for Inborn genetic diseases. Last evaluated: 2024-02-21. Review status: criteria provided, single submitter. Criteria: Ambry Variant Classification Scheme 2023. Collection method: clinical testing. Allele origin: germline.

Labcorp Genetics (formerly Invitae), Labcorp
Classification: Uncertain significance. Last evaluated: 2022-07-19. Review status: criteria provided, single submitter. Criteria: Invitae Variant Classification Sherloc (09022015). Collection method: clinical testing. Allele origin: germline.
Comment: This sequence change replaces arginine, which is basic and polar, with proline, which is neutral and non-polar, at codon 934 of the SKIV2L protein (p.Arg934Pro). This variant is present in population databases (rs763374184, gnomAD 0.007%). This variant has not been reported in the literature in individuals affected with SKIV2L-related conditions. ClinVar contains an entry for this variant (Variation ID: 1470945). Algorithms developed to predict the effect of missense changes on protein structure and function (SIFT, PolyPhen-2, Align-GVGD) all suggest that this variant is likely to be tolerated. In summary, the available evidence is currently insufficient to determine the role of this variant in disease. Therefore, it has been classified as a Variant of Uncertain Significance.

NM_006929.5(SKIC2):c.2801G>C (p.Arg934Pro)

Gene: SKIC2 (SKI2 subunit of superkiller complex; plus strand). Cytogenetic location: 6p21.33.
Variant type: single nucleotide variant.
Coding change: c.2801G>C on transcript NM_006929.5 (MANE Select); coding-DNA position 2801, G replaced by C.
Protein change: p.Arg934Pro; replaces arginine 934 with proline.
Molecular consequence: missense variant.
Genome position (GRCh38, 1-based): chr6:31,968,025, G>C. VCF-style: chr6-31968025-G-C. GRCh37 (hg19) VCF-style: chr6-31935802-G-C.
Other names: c.2801G>C (NM_006929.4); short protein forms R934P.
Identifiers: ClinVar variation 1470945 (VCV001470945.4), dbSNP rs763374184, ClinGen allele CA3729876.